The following is an entry in ClinVar:

ClinVar aggregate classification (germline): Uncertain significance (1 of 4 stars; one submission).

Conditions:
Primary dilated cardiomyopathy (DCM). Also called: Dilated Cardiomyopathy. Identifiers: Orphanet 217604, MedGen C0007193, MeSH D002311, MONDO:0005021, HP:0001644. Inheritance: Various modes of inheritance.

Submission:

Labcorp Genetics (formerly Invitae), Labcorp
Classification: Uncertain significance for Primary dilated cardiomyopathy. Last evaluated: 2024-01-15. Review status: criteria provided, single submitter. Criteria: Invitae Variant Classification Sherloc (09022015). Collection method: clinical testing. Allele origin: germline.
Comment: This variant is a gross deletion of the genomic region encompassing exon(s) 13 of the NEBL gene. This variant would be expected to be in-frame, preserving the integrity of the reading frame. This variant has not been reported in the literature in individuals affected with NEBL-related conditions. Experimental studies and prediction algorithms are not available or were not evaluated, and the functional significance of this variant is currently unknown. In summary, the available evidence is currently insufficient to determine the role of this variant in disease. Therefore, it has been classified as a Variant of Uncertain Significance.

NC_000010.11:g.(?_20840719)_(20840869_?)del

Gene: NEBL (nebulette; minus strand). Cytogenetic location: 10p12.31.
Variant type: Deletion.
Identifiers: ClinVar variation 454259 (VCV000454259.8).